The following is an entry in ClinVar:

NM_001035.3(RYR2):c.2657C>A (p.Ala886Glu)

Gene: RYR2 (ryanodine receptor 2; plus strand). Cytogenetic location: 1q43.
Variant type: single nucleotide variant.
Coding change: c.2657C>A on transcript NM_001035.3 (MANE Select); coding-DNA position 2657, C replaced by A.
Protein change: p.Ala886Glu; replaces alanine 886 with glutamic acid.
Molecular consequence: missense variant.
Genome position (GRCh38, 1-based): chr1:237,506,753, C>A. VCF-style: chr1-237506753-C-A. GRCh37 (hg19) VCF-style: chr1-237670053-C-A.
Other names: short protein forms A886E.
Identifiers: ClinVar variation 3893857 (VCV003893857.1).

ClinVar aggregate classification (germline): Uncertain significance (1 of 4 stars; one submission).

Conditions:
Cardiomyopathy (CMYO). Also called: Cardiomyopathies. Identifiers: Orphanet 167848, MedGen C0878544, MONDO:0004994, HP:0001638. Inheritance: Various modes of inheritance.

Submission:

Color Diagnostics, LLC DBA Color Health
Classification: Uncertain significance for Cardiomyopathy. Last evaluated: 2024-05-31. Review status: criteria provided, single submitter. Criteria: ACMG Guidelines, 2015. Collection method: clinical testing. Allele origin: germline.
Comment: This missense variant replaces alanine with glutamic acid at codon 886 of the RYR2 protein. Computational prediction suggests that this variant may have deleterious impact on protein structure and function (internally defined REVEL score threshold >= 0.7, PMID: 27666373). To our knowledge, functional studies have not been reported for this variant. This variant has not been reported in individuals affected with RYR2-related disorders in the literature. This variant has not been identified in the general population by the Genome Aggregation Database (gnomAD). The available evidence is insufficient to determine the role of this variant in disease conclusively. Therefore, this variant is classified as a Variant of Uncertain Significance.